The following is an entry in ClinVar:

ClinVar aggregate classification (germline): Pathogenic/Likely pathogenic. Review status: criteria provided, multiple submitters, no conflicts (2 of 4 stars). 2 submissions from 2 submitters: Pathogenic (1); Likely pathogenic (1). Last evaluated 2025-12-29.

Conditions:
Autosomal recessive limb-girdle muscular dystrophy type 2O. Also called: MUSCULAR DYSTROPHY-DYSTROGLYCANOPATHY (LIMB-GIRDLE), TYPE C, 3; MUSCULAR DYSTROPHY-DYSTROGLYCANOPATHY, LIMB-GIRDLE, POMGNT1-RELATED; Limb-Girdle Muscular Dystrophy Type 3C. Identifiers: Orphanet 206564, MedGen C3150417, MONDO:0013161, OMIM 613157.
Muscular dystrophy-dystroglycanopathy (congenital with impaired intellectual development), type B, 3. Also called: MUSCULAR DYSTROPHY, CONGENITAL, POMGNT1-RELATED; Muscular dystrophy-dystroglycanopathy (congenital with intellectual disability), type B3. Identifiers: MedGen C3150412, MONDO:0013155, OMIM 613151.
Muscle eye brain disease (MEB). Also called: Santavuori congenital muscular dystrophy. Identifiers: Orphanet 588, Orphanet 899, MedGen C0457133, MONDO:0018939.

Submissions (2):

Natera, Inc.
Classification: Likely pathogenic for Muscle-eye-brain disease. Last evaluated: 2025-12-29. Review status: criteria provided, single submitter. Criteria: Natera Variant Classification Schema (03/2026). Collection method: clinical testing. Allele origin: germline.
Comment: The c.1249dupG variant in POMGNT1 is a frameshift variant predicted to shift the reading frame beginning at codon 417 and leads to a stop codon 11 codons downstream. This variant is expected to result in nonsense mediated decay, truncation, or a dysfunctional protein product. This variant is rare in the general population with a frequency below the threshold expected for the associated phenotype(s). Given the available evidence, this variant is classified as Likely Pathogenic.

Labcorp Genetics (formerly Invitae), Labcorp
Classification: Pathogenic for Autosomal recessive limb-girdle muscular dystrophy type 2O; Muscular dystrophy-dystroglycanopathy (congenital with impaired intellectual development), type B, 3. Last evaluated: 2024-02-25. Review status: criteria provided, single submitter. Criteria: Invitae Variant Classification Sherloc (09022015). Collection method: clinical testing. Allele origin: germline.
Comment: This sequence change creates a premature translational stop signal (p.Asp417Glyfs*11) in the POMGNT1 gene. It is expected to result in an absent or disrupted protein product. Loss-of-function variants in POMGNT1 are known to be pathogenic (PMID: 19299310, 20816175, 21447391, 26908613, 27391550). This variant is not present in population databases (gnomAD no frequency). This variant has not been reported in the literature in individuals affected with POMGNT1-related conditions. For these reasons, this variant has been classified as Pathogenic.

Literature cited by the submitters: PubMed 19299310 (cited by Labcorp Genetics (formerly Invitae), Labcorp); PubMed 20816175 (cited by Labcorp Genetics (formerly Invitae), Labcorp); PubMed 21447391 (cited by Labcorp Genetics (formerly Invitae), Labcorp); PubMed 26908613 (cited by Labcorp Genetics (formerly Invitae), Labcorp); PubMed 27391550 (cited by Labcorp Genetics (formerly Invitae), Labcorp).

NM_017739.4(POMGNT1):c.1249dup (p.Asp417fs)

Genes: POMGNT1 (protein O-linked mannose N-acetylglucosaminyltransferase 1 (beta 1,2-); minus strand), TSPAN1 (tetraspanin 1; plus strand). Cytogenetic location: 1p34.1.
Variant type: Duplication.
Coding change: c.1249dup on transcript NM_017739.4 (MANE Select); coding-DNA position 1249, one base duplicated (G; older notation c.1249dupG).
Protein change: p.Asp417fs; shifts the reading frame from aspartic acid 417.
Molecular consequence: frameshift variant.
Genome position (GRCh38, 1-based): chr1:46,192,553, C duplicated on the plus strand (G on the coding strand, the reverse complement: POMGNT1 is on the minus strand). VCF-style (leftmost placement, unchanged base first): chr1-46192552-T-TC. GRCh37 (hg19) VCF-style: chr1-46658224-T-TC.
Other names: c.1249dup, p.Asp417fs (NM_001243766.2, NM_001410783.1); c.1183dup, p.Asp395Glyfs (NM_001290129.3); c.820dup, p.Asp274fs (NM_001290130.2); c.1249dupG (NM_017739.3); short protein forms D274fs, D395fs, D417fs.
Identifiers: ClinVar variation 3748753 (VCV003748753.3).